The following is an entry in ClinVar:

NM_201384.3(PLEC):c.4706C>T (p.Thr1569Met)

Gene: PLEC (plectin; minus strand). Cytogenetic location: 8q24.3.
Variant type: single nucleotide variant.
Coding change: c.4706C>T on transcript NM_201384.3 (MANE Select); coding-DNA position 4706, C replaced by T.
Protein change: p.Thr1569Met; replaces threonine 1569 with methionine.
Molecular consequence: missense variant. On other transcripts: intron variant (1).
Genome position (GRCh38, 1-based): chr8:143,925,223, G>A on the plus strand (C>T on the coding strand, the complement: PLEC is on the minus strand). VCF-style: chr8-143925223-G-A. GRCh37 (hg19) VCF-style: chr8-144999391-G-A.
Other names: c.4787C>T, p.Thr1596Met (NM_000445.5); c.4664C>T, p.Thr1555Met (NM_201378.4); c.4640C>T, p.Thr1547Met (NM_201379.3); c.5117C>T, p.Thr1706Met (NM_201380.4); c.4610C>T, p.Thr1537Met (NM_201381.3); c.4706C>T, p.Thr1569Met (NM_201382.4); c.4718C>T, p.Thr1573Met (NM_201383.3); c.4125+1561C>T (NM_001410941.1); short protein forms T1547M, T1573M, T1706M, T1569M, T1537M, T1596M, T1555M.
Identifiers: ClinVar variation 2496004 (VCV002496004.6), dbSNP rs372196160, ClinGen allele CA4926563.

ClinVar aggregate classification (germline): Uncertain significance. Review status: criteria provided, multiple submitters, no conflicts (2 of 4 stars). 3 submissions from 3 submitters: Uncertain significance (3). Last evaluated 2025-12-02.

Conditions:
Autosomal recessive limb-girdle muscular dystrophy type 2Q (LGMDR17). Also called: MUSCULAR DYSTROPHY, LIMB-GIRDLE, AUTOSOMAL RECESSIVE 17. Identifiers: Orphanet 254361, MedGen C3150989, MONDO:0013390, OMIM 613723.
Epidermolysis bullosa simplex 5C, with pyloric atresia (EBS5C). Also called: PLEC1-Related Epidermolysis Bullosa with Pyloric Atresia; PLEC-Related Epidermolysis Bullosa with Pyloric Atresia; Epidermolysis bullosa simplex with pyloric atresia. Identifiers: Orphanet 158684, MedGen C2677349, MONDO:0012807, OMIM 612138.
Epidermolysis bullosa simplex 5B, with muscular dystrophy (EBS5B). Also called: EPIDERMOLYSIS BULLOSA SIMPLEX AND LIMB-GIRDLE MUSCULAR DYSTROPHY; Epidermolysis bullosa simplex with muscular dystrophy. Identifiers: Orphanet 257, MedGen C2931072, MONDO:0009181, OMIM 226670.
Epidermolysis bullosa simplex, Ogna type (EBS5A). Also called: Pidermolysis bullosa simplex 5A, Ogna type; EPIDERMOLYSIS BULLOSA SIMPLEX 5A, OGNA TYPE. Identifiers: Orphanet 79401, MedGen C0432317, MONDO:0007555, OMIM 131950.
Epidermolysis bullosa simplex with nail dystrophy (EBS5D). Identifiers: MedGen C4225309, MONDO:0014661, OMIM 616487.
Inborn genetic diseases. Identifiers: MedGen C0950123, MeSH D030342.

Allele frequency attached by ClinVar (database versions not stated): gnomAD 0.00001; ExAC 0.00002; TOPMed 0.00004; ESP Exome Variant Server 0.00009.
gnomAD v4.1: 25 of 1,588,276 alleles (0.0016%); highest among the groups gnomAD compares: Admixed American, 0.0034%; no homozygotes.

Submissions (3):

Labcorp Genetics (formerly Invitae), Labcorp
Classification: Uncertain significance for Autosomal recessive limb-girdle muscular dystrophy type 2Q; Epidermolysis bullosa simplex, Ogna type; Epidermolysis bullosa simplex with nail dystrophy; Epidermolysis bullosa simplex 5C, with pyloric atresia; Epidermolysis bullosa simplex 5B, with muscular dystrophy. Last evaluated: 2025-12-02. Review status: criteria provided, single submitter. Criteria: Invitae Variant Classification Sherloc (09022015). Collection method: clinical testing. Allele origin: germline.
Comment: This sequence change replaces threonine, which is neutral and polar, with methionine, which is neutral and non-polar, at codon 1596 of the PLEC protein (p.Thr1596Met). This variant is present in population databases (rs372196160, gnomAD 0.01%). This variant has not been reported in the literature in individuals affected with PLEC-related conditions. ClinVar contains an entry for this variant (Variation ID: 2496004). Experimental studies and prediction algorithms are not available or were not evaluated, and the functional significance of this variant is currently unknown. In summary, the available evidence is currently insufficient to determine the role of this variant in disease. Therefore, it has been classified as a Variant of Uncertain Significance.

Ambry Genetics
Classification: Uncertain significance for Inborn genetic diseases. Last evaluated: 2025-07-01. Review status: criteria provided, single submitter. Criteria: Ambry Variant Classification Scheme 2023. Collection method: clinical testing. Allele origin: germline.

Revvity Omics, Revvity
Classification: Uncertain significance. Last evaluated: 2024-09-22. Review status: criteria provided, single submitter. Criteria: ACMG Guidelines, 2015. Collection method: clinical testing. Allele origin: germline.